The following is an entry in ClinVar:

ClinVar aggregate classification (germline): Uncertain significance. Review status: criteria provided, multiple submitters, no conflicts (2 of 4 stars). 13 submissions from 13 submitters: Uncertain significance (11). 2 of the submissions do not count toward it. Last evaluated 2026-09-08.

Conditions:
Hereditary cancer-predisposing syndrome. Also called: Hereditary Cancer Syndrome; Tumor predisposition; Neoplastic Syndromes, Hereditary; Hereditary neoplastic syndrome. Identifiers: Orphanet 140162, MedGen C0027672, MeSH D009386, MONDO:0015356.
Hereditary breast ovarian cancer syndrome. Also called: Hereditary breast and ovarian cancer syndrome; Hereditary breast and ovarian cancer syndrome (HBOC); Hereditary breast and ovarian cancer; Hereditary breast and/or ovarian cancer syndrome; BRCA1- and BRCA2-Associated Hereditary Breast and Ovarian Cancer; Breast and ovarian cancer. Identifiers: Orphanet 145, MedGen C0677776, MeSH D061325, MONDO:0003582. Disease mechanism: loss of function.
Familial cancer of breast. Also called: hereditary breast carcinoma; BREAST CANCER, FAMILIAL; Hereditary breast cancer. Identifiers: Orphanet 227535, MedGen C0346153, MONDO:0016419, OMIM 114480. Disease mechanism: loss of function.
Ataxia-telangiectasia syndrome (AT). Also called: ATAXIA-TELANGIECTASIA, COMPLEMENTATION GROUP A; ATAXIA-TELANGIECTASIA, FRESNO VARIANT; Ataxia-telangiectasia; Ataxia-telangiectasia, complementation group E; Cerebello-oculocutaneous telangiectasia; Immunodeficiency with ataxia telangiectasia. Identifiers: Orphanet 100, MedGen C0004135, MONDO:0008840, OMIM 208900.

Allele frequency attached by ClinVar (database versions not stated): gnomAD exomes 0.00002; TOPMed 0.00003; gnomAD 0.00002; ExAC 0.00002.
gnomAD v4.1: 49 of 1,613,728 alleles (0.003%); highest among the groups gnomAD compares: Non-Finnish European, 0.0042%; no homozygotes.

Submissions 1 to 10 of 13:

German Consortium for Hereditary Breast and Ovarian Cancer, University Hospital Cologne
Classification: Uncertain significance for Hereditary breast ovarian cancer syndrome. Last evaluated: 2026-09-08. Review status: criteria provided, single submitter. Criteria: ClinGen ATM V1.5.0. Collection method: curation. Allele origin: germline.
Comment: This classification follows the ClinGen ACMG ATM v1.5.0 classification scheme; We chose this criterion: PP3 (supporting pathogenic): REVEL: 0.765

Labcorp Genetics (formerly Invitae), Labcorp
Classification: Uncertain significance for Ataxia-telangiectasia syndrome. Last evaluated: 2026-01-31. Review status: criteria provided, single submitter. Criteria: Invitae Variant Classification Sherloc (09022015). Collection method: clinical testing. Allele origin: germline.
Comment: This sequence change replaces serine, which is neutral and polar, with cysteine, which is neutral and slightly polar, at codon 2592 of the ATM protein (p.Ser2592Cys). This variant is present in population databases (rs755009196, gnomAD 0.004%). This missense change has been observed in individual(s) with breast cancer, prostate cancer, or Non-Hodgkin's lymphoma (PMID: 11606401, 11805335, 17640065, 19781682, 28825054, 29909963). ClinVar contains an entry for this variant (Variation ID: 186713). Invitae Evidence Modeling of protein sequence and biophysical properties (such as structural, functional, and spatial information, amino acid conservation, physicochemical variation, residue mobility, and thermodynamic stability) has been performed for this missense variant. However, the output from this modeling did not meet the statistical confidence thresholds required to predict the impact of this variant on ATM protein function. Experimental studies have shown that this missense change affects ATM function (PMID: 11805335). In summary, the available evidence is currently insufficient to determine the role of this variant in disease. Therefore, it has been classified as a Variant of Uncertain Significance.

GeneDx
Classification: Uncertain significance. Last evaluated: 2026-01-16. Review status: criteria provided, single submitter. Criteria: GeneDx Variant Classification Process June 2021. Collection method: clinical testing. Allele origin: germline. Affected: yes.
Comment: Published functional studies suggest a damaging effect: absent kinase activity, increased radiosensitivity in vitro, and dominant interfering effect (PMID: 11805335); Reported in individuals with breast or prostate cancer, but also in healthy controls (PMID: 11606401, 19781682, 26898890, 28825054, 28779002, 33436325); In silico analysis supports that this missense variant has a deleterious effect on protein structure/function; Not observed at significant frequency in large population cohorts (gnomAD); This variant is associated with the following publications: (PMID: 19781682, 11606401, 15279808, 14643952, 16652348, 21910157, 12552566, 18568480, 16112413, 11839094, 12810666, 12969974, 21787400, 12511424, 20346647, 15450731, 28825054, 28779002, 28873162, 26898890, 29909963, 33436325, 11805335, 40105422, 38263180, 27535533, 17640065)

Color Diagnostics, LLC DBA Color Health
Classification: Uncertain significance for Hereditary cancer-predisposing syndrome. Last evaluated: 2025-10-01. Review status: criteria provided, single submitter. Criteria: ACMG Guidelines, 2015. Collection method: clinical testing. Allele origin: germline.
Comment: This missense variant replaces serine with cysteine at codon 2592 of the ATM protein. Computational prediction suggests that this variant may have deleterious impact on protein structure and function. Functional studies have reported that the variant protein had no detectable kinase activity, failed to rescue the elevated radiosensitivity and chromosome aberration phenotype in ATM-deficient cells, and interacted with MDM2 in the nucleus which suggests it may disrupt protein trafficking (PMID: 11805335, 38263180). This variant has been observed in individuals affected with breast cancer (PMID: 11606401, 19781682, 26898890, 28779002), prostate cancer (PMID: 28825054), non-Hodgkin lymphoma (PMID: 17640065) and multiple primary tumors (PMID: 29909963) and in an unaffected control in a breast cancer case-control study (PMID: 28779002). In a separate, international case-control meta-analysis, this variant was reported in 4/60466 breast cancer cases and 6/53461 controls (OR=0.589, 95%CI 0.166 to 2.089, p-value=0.531PMID: 33471991). This variant has been identified in 4/250918 chromosomes in the general population by the Genome Aggregation Database (gnomAD). The available evidence is insufficient to determine the role of this variant in disease conclusively. Therefore, this variant is classified as a Variant of Uncertain Significance.

Ambry Genetics
Classification: Uncertain significance for Hereditary cancer-predisposing syndrome. Last evaluated: 2025-04-23. Review status: criteria provided, single submitter. Criteria: Ambry Variant Classification Scheme 2023. Collection method: clinical testing. Allele origin: germline.
Comment: The p.S2592C variant (also known as c.7775C>G), located in coding exon 51 of the ATM gene, results from a C to G substitution at nucleotide position 7775. The serine at codon 2592 is replaced by cysteine, an amino acid with dissimilar properties. This alteration has been identified in an individual diagnosed with ataxia telangiectasia; however a second ATM alteration was not documented (Neubauer S et al. Radiat Res, 2002 Mar;157:312-21). This alteration has been reported in 1/4,112 breast cancer cases and 0/2,399 controls in a meta-analysis of the role of the ATM gene in breast cancer susceptibility (Tavtigian SV et al. Am. J. Hum. Genet. 2009 Oct;85:427-46). This variant has also been detected in cohorts of patients with non-Hodgkin lymphoma, multiple primary tumors, and prostate cancer (Sipahimalani P et al. Int. J. Cancer. 2007 Nov;121:1967-75; Abida W et al. JCO Precis Oncol. 2017 Jul;2017; Whitworth J et al. Am. J. Hum. Genet. 2018 Jul;103:3-18; Karlsson Q et al. Eur Urol Oncol, 2021 Aug;4:570-579). In functional studies, this variant demonstrated an absence of kinase activity in vivo and in vitro, and increased sensitivity to ionizing radiation (Scott SP et al. Proc. Natl. Acad. Sci. U.S.A. 2002 Jan;99:925-30). Scott et al. also demonstrated the ability of the p.S2592C variant to interfere with wild-type kinase activity in a dominant negative fashion. This amino acid position is highly conserved in available vertebrate species. In addition, this alteration is predicted to be deleterious by in silico analysis. Since supporting evidence is limited at this time, the clinical significance of this alteration remains unclear.

Center for Genomic Medicine, Rigshospitalet, Copenhagen University Hospital
Classification: Uncertain significance. Last evaluated: 2025-03-04. Review status: criteria provided, single submitter. Criteria: ACMG Guidelines, 2015. Collection method: clinical testing. Allele origin: germline.

Mayo Clinic Laboratories, Mayo Clinic
Classification: Uncertain significance. Last evaluated: 2025-02-03. Review status: criteria provided, single submitter. Criteria: ACMG Guidelines, 2015. Collection method: clinical testing. Allele origin: germline. Observed: 3 variant alleles.
Comment: PP3, PM2_supporting

Molecular Pathology, Peter Maccallum Cancer Centre
Classification: Uncertain significance for Ataxia-telangiectasia syndrome. Last evaluated: 2024-10-15. Review status: criteria provided, single submitter. Criteria: ACMG Guidelines, 2015. Collection method: clinical testing. Allele origin: germline. Inheritance: Autosomal recessive inheritance.

Blueprint Genetics
Classification: Uncertain significance. Last evaluated: 2024-08-13. Review status: criteria provided, single submitter. Criteria: ACMG Guidelines, 2015. Collection method: clinical testing. Allele origin: germline.

Baylor Genetics
Classification: Uncertain significance for Familial cancer of breast. Last evaluated: 2023-11-21. Review status: criteria provided, single submitter. Criteria: ACMG Guidelines, 2015. Collection method: clinical testing. Allele origin: unknown.

NM_000051.4(ATM):c.7775C>G (p.Ser2592Cys)

Genes: C11orf65 (chromosome 11 open reading frame 65; minus strand), ATM (ATM serine/threonine kinase; plus strand). Cytogenetic location: 11q22.3.
Variant type: single nucleotide variant.
Coding change: c.7775C>G on transcript NM_000051.4 (MANE Select); coding-DNA position 7775, C replaced by G.
Protein change: p.Ser2592Cys; replaces serine 2592 with cysteine.
Molecular consequence: missense variant. On other transcripts: intron variant (2).
Genome position (GRCh38, 1-based): chr11:108,332,024, C>G. VCF-style: chr11-108332024-C-G. GRCh37 (hg19) VCF-style: chr11-108202751-C-G.
Other names: c.7775C>G, p.Ser2592Cys (NM_001351834.2); c.641-22953G>C (NM_001330368.2); c.*38+3196G>C (NM_001351110.2); short protein forms S2592C.
Identifiers: ClinVar variation 186713 (VCV000186713.50), dbSNP rs755009196, ClinGen allele CA195635.